The following is an entry in ClinVar:

NM_032607.3(CREB3L3):c.259A>G (p.Ser87Gly)

Gene: CREB3L3 (cAMP responsive element binding protein 3 like 3; plus strand). Cytogenetic location: 19p13.3.
Variant type: single nucleotide variant.
Coding change: c.259A>G on transcript NM_032607.3 (MANE Select); coding-DNA position 259, A replaced by G.
Protein change: p.Ser87Gly; replaces serine 87 with glycine.
Molecular consequence: missense variant.
Genome position (GRCh38, 1-based): chr19:4,157,097, A>G. VCF-style: chr19-4157097-A-G. GRCh37 (hg19) VCF-style: chr19-4157094-A-G.
Other names: c.256A>G, p.Ser86Gly (NM_001271995.2); c.259A>G, p.Ser87Gly (NM_001271996.2, NM_001271997.2); short protein forms S86G, S87G.
Identifiers: ClinVar variation 4741951 (VCV004741951.1).

ClinVar aggregate classification (germline): Uncertain significance (1 of 4 stars; one submission).

Submission:

Labcorp Genetics (formerly Invitae), Labcorp
Classification: Uncertain significance. Last evaluated: 2025-09-09. Review status: criteria provided, single submitter. Criteria: Invitae Variant Classification Sherloc (09022015). Collection method: clinical testing. Allele origin: germline.
Comment: This sequence change replaces serine, which is neutral and polar, with glycine, which is neutral and non-polar, at codon 87 of the CREB3L3 protein (p.Ser87Gly). This variant is not present in population databases (gnomAD no frequency). This variant has not been reported in the literature in individuals affected with CREB3L3-related conditions. Invitae Evidence Modeling of protein sequence and biophysical properties (such as structural, functional, and spatial information, amino acid conservation, physicochemical variation, residue mobility, and thermodynamic stability) indicates that this missense variant is expected to disrupt CREB3L3 protein function with a positive predictive value of 80%. In summary, the available evidence is currently insufficient to determine the role of this variant in disease. Therefore, it has been classified as a Variant of Uncertain Significance.